The following is an entry in ClinVar:

ClinVar aggregate classification (germline): Likely pathogenic (1 of 4 stars; one submission).

Conditions:
Mucopolysaccharidosis, MPS-III-A (MPS3A). Also called: Mucopolysaccharidosis type IIIA (Sanfilippo A); Mucopolysaccharidosis, type IIIA; mucopolysaccharidosis type 3A; MPS IIIA (Sanfilippo Syndrome Type A); HEPARAN SULFATE SULFATASE DEFICIENCY; SANFILIPPO SYNDROME A. Identifiers: Orphanet 581, Orphanet 79269, MedGen C0086647, MONDO:0009655, OMIM 252900.

Allele frequency attached by ClinVar (database versions not stated): gnomAD exomes below 0.00001.
gnomAD v4.1: 1 of 1,611,412 alleles (0.000062%); highest among the groups gnomAD compares: South Asian, 0.0011%; no homozygotes.

Submission:

Labcorp Genetics (formerly Invitae), Labcorp
Classification: Likely pathogenic for Mucopolysaccharidosis, MPS-III-A. Last evaluated: 2023-09-03. Review status: criteria provided, single submitter. Criteria: Invitae Variant Classification Sherloc (09022015). Collection method: clinical testing. Allele origin: germline.
Comment: In summary, the currently available evidence indicates that the variant is pathogenic, but additional data are needed to prove that conclusively. Therefore, this variant has been classified as Likely Pathogenic. This variant disrupts the p.Asp477 amino acid residue in SGSH. Other variant(s) that disrupt this residue have been observed in individuals with SGSH-related conditions (PMID: 28101780), which suggests that this may be a clinically significant amino acid residue. Advanced modeling of protein sequence and biophysical properties (such as structural, functional, and spatial information, amino acid conservation, physicochemical variation, residue mobility, and thermodynamic stability) performed at Invitae indicates that this missense variant is expected to disrupt SGSH protein function. This missense change has been observed in individual(s) with mucopolysaccharidosis type III (PMID: 21204211). This variant is not present in population databases (gnomAD no frequency). This sequence change replaces aspartic acid, which is acidic and polar, with glutamic acid, which is acidic and polar, at codon 477 of the SGSH protein (p.Asp477Glu).

Literature cited by the submitters: PubMed 28101780; PubMed 21204211.

NM_000199.5(SGSH):c.1431C>A (p.Asp477Glu)

Gene: SGSH (N-sulfoglucosamine sulfohydrolase; minus strand). Cytogenetic location: 17q25.3.
Variant type: single nucleotide variant.
Coding change: c.1431C>A on transcript NM_000199.5 (MANE Select); coding-DNA position 1431, C replaced by A.
Protein change: p.Asp477Glu; replaces aspartic acid 477 with glutamic acid.
Molecular consequence: missense variant. On other transcripts: 3 prime UTR variant (2), non-coding transcript variant (1).
Genome position (GRCh38, 1-based): chr17:80,210,530, G>T on the plus strand (C>A on the coding strand, the complement: SGSH is on the minus strand). VCF-style: chr17-80210530-G-T. GRCh37 (hg19) VCF-style: chr17-78184329-G-T.
Other names: c.*518C>A (NM_001352921.3); c.*481C>A (NM_001352922.2); short protein forms D477E.
Identifiers: ClinVar variation 2757673 (VCV002757673.3), dbSNP rs2510855421, ClinGen allele CA401358442.